The following is an entry in ClinVar:

NM_001626.6(AKT2):c.1110G>T (p.Pro370=)

Gene: AKT2 (AKT serine/threonine kinase 2; minus strand). Cytogenetic location: 19q13.2.
Variant type: single nucleotide variant.
Coding change: c.1110G>T on transcript NM_001626.6 (MANE Select); coding-DNA position 1110, G replaced by T.
Protein change: p.Pro370=; no amino-acid change (proline 370 retained).
Molecular consequence: synonymous variant.
Genome position (GRCh38, 1-based): chr19:40,235,955, C>A on the plus strand (G>T on the coding strand, the complement: AKT2 is on the minus strand). VCF-style: chr19-40235955-C-A. GRCh37 (hg19) VCF-style: chr19-40741862-C-A.
Other names: p.Pro370=; c.1110G>T, p.Pro370= (LRG_1391t1); c.924G>T, p.Pro308= (NM_001243027.3, NM_001243028.3); c.981G>T, p.Pro327= (NM_001330511.1).
Identifiers: ClinVar variation 466265 (VCV000466265.37), dbSNP rs41309435, ClinGen allele CA9441584.

ClinVar aggregate classification (germline): Benign/Likely benign. Review status: criteria provided, multiple submitters, no conflicts (2 of 4 stars). 5 submissions from 5 submitters: Benign (1); Likely benign (2). 2 of the submissions do not count toward it. Last evaluated 2026-09-01.

Conditions:
Type 2 diabetes mellitus. Also called: Type II diabetes mellitus. Identifiers: MedGen C0011860, MeSH D003924, MONDO:0005148, OMIM 125853, HP:0005978.
Hypoinsulinemic hypoglycemia and body hemihypertrophy. Also called: Hypoinsulinemic hypoglycemia and hemihypertrophy. Identifiers: Orphanet 293964, MedGen C3278384, MONDO:0009416, OMIM 240900.

Allele frequency attached by ClinVar (database versions not stated): 1000 Genomes Project 0.00100; 1000 Genomes Project 30x 0.00125; TOPMed 0.00165; ESP Exome Variant Server 0.00192.
gnomAD v4.1: 4,577 of 1,613,886 alleles (0.28%); highest among the groups gnomAD compares: Non-Finnish European, 0.25%; 20 homozygotes.

Submissions (5):

CeGaT Center for Human Genetics Tuebingen
Classification: Likely benign. Last evaluated: 2026-09-01. Review status: criteria provided, single submitter. Criteria: CeGaT Center For Human Genetics Tuebingen Variant Classification Criteria Version 2. Collection method: clinical testing. Allele origin: germline. Affected: yes. Observed: 2 variant alleles.
Comment: AKT2: BP4, BP7

Labcorp Genetics (formerly Invitae), Labcorp
Classification: Benign for Hypoinsulinemic hypoglycemia and body hemihypertrophy; Type 2 diabetes mellitus. Last evaluated: 2025-12-19. Review status: criteria provided, single submitter. Criteria: Invitae Variant Classification Sherloc (09022015). Collection method: clinical testing. Allele origin: germline.

Mayo Clinic Laboratories, Mayo Clinic
Classification: Likely benign. Last evaluated: 2025-03-07. Review status: criteria provided, single submitter. Criteria: ACMG Guidelines, 2015. Collection method: clinical testing. Allele origin: germline. Observed: 1 variant allele.
Comment: BS1, BP4, BP7

Clinical Genetics DNA and cytogenetics Diagnostics Lab, Erasmus MC, Erasmus Medical Center
Classification: Likely benign. Review status: no assertion criteria provided. Collection method: clinical testing. Allele origin: germline. Affected: yes. Study: VKGL Data-share Consensus. Not counted in ClinVar's aggregate classification.

Genome Diagnostics Laboratory, University Medical Center Utrecht
Classification: Likely benign. Review status: no assertion criteria provided. Collection method: clinical testing. Allele origin: germline. Affected: yes. Study: VKGL Data-share Consensus. Not counted in ClinVar's aggregate classification.